The following is an entry in ClinVar:

ClinVar aggregate classification (germline): Uncertain significance (1 of 4 stars; one submission).

Conditions:
Werner syndrome (WRN). Identifiers: Orphanet 902, MedGen C0043119, MONDO:0010196, OMIM 277700.

Submission:

Labcorp Genetics (formerly Invitae), Labcorp
Classification: Uncertain significance for Werner syndrome. Last evaluated: 2020-03-10. Review status: criteria provided, single submitter. Criteria: Invitae Variant Classification Sherloc (09022015). Collection method: clinical testing. Allele origin: germline.
Comment: This sequence change replaces aspartic acid with asparagine at codon 604 of the WRN protein (p.Asp604Asn). The aspartic acid residue is highly conserved and there is a small physicochemical difference between aspartic acid and asparagine. This variant is not present in population databases (ExAC no frequency). This variant has not been reported in the literature in individuals with WRN-related conditions. Algorithms developed to predict the effect of missense changes on protein structure and function are either unavailable or do not agree on the potential impact of this missense change (SIFT: Not Available; PolyPhen-2: "Probably Damaging"; Align-GVGD: Not Available). In summary, the available evidence is currently insufficient to determine the role of this variant in disease. Therefore, it has been classified as a Variant of Uncertain Significance.

NM_000553.6(WRN):c.1810G>A (p.Asp604Asn)

Gene: WRN (WRN RecQ like helicase; plus strand). Cytogenetic location: 8p12.
Variant type: single nucleotide variant.
Coding change: c.1810G>A on transcript NM_000553.6 (MANE Select); coding-DNA position 1810, G replaced by A.
Protein change: p.Asp604Asn; replaces aspartic acid 604 with asparagine.
Molecular consequence: missense variant.
Genome position (GRCh38, 1-based): chr8:31,090,923, G>A. VCF-style: chr8-31090923-G-A. GRCh37 (hg19) VCF-style: chr8-30948439-G-A.
Other names: short protein forms D604N.
Identifiers: ClinVar variation 1038340 (VCV001038340.3), dbSNP rs1813724324, ClinGen allele CA370928140.
Genomic context (GRCh38, chr8:31,090,923, plus strand): 5'-CCACCTGTTTATGTAGGCAAGATTGGCCTTGTTATCTCTCCCCTTATTTCTCTGATGGAA[G>A]ACCAAGTGCTACAGCTTAAGTAAGTCATGTTATCATTGCCACAATATCACCCTCTTTTTT-3'
Protein context (NP_000544.2, residues 594-614): VISPLISLME[Asp604Asn]QVLQLKMSNI